The following is an entry in ClinVar:

ClinVar aggregate classification (germline): Likely pathogenic (1 of 4 stars; one submission).

Conditions:
Neuroocular syndrome 1 (NOC1). Identifiers: Orphanet 659904, MedGen C5925133, MONDO:0971007, OMIM 619539.

Submission:

University of Washington Department of Laboratory Medicine, University of Washington
Classification: Likely pathogenic for Neuroocular syndrome 1. Last evaluated: 2023-02-08. Review status: criteria provided, single submitter. Criteria: ACMG Guidelines, 2015. Collection method: clinical testing. Allele origin: paternal. Affected: yes.
Comment: The p.Ala691Glyfs*24 variant in the PRR12 gene has not been previously reported in association with disease. This variant was absent from large population databases, including the Genome Aggregation Database. The p.Ala691Glyfs*24 variant leads to a premature termination codon in exon 4 of 14 exons and is predicted to undergo nonsense-mediated decay resulting in a truncated or absent protein. These predictions have not been tested directly. Heterozygous variants predicted to result in loss of function are commonly described with PRR12-related disorder (Chowdhury 2021). Using ACMG guidelines, this variant was classified as likely pathogenic for autosomal dominant PRR12-related disorder (ACMG evidence codes used: PVS1, PM2_supporting).

NM_020719.3(PRR12):c.2065_2071dup (p.Ala691fs)

Gene: PRR12 (proline rich 12; plus strand). Cytogenetic location: 19q13.33.
Variant type: Duplication.
Coding change: c.2065_2071dup on transcript NM_020719.3 (MANE Select); coding-DNA positions 2065 to 2071, 7 bases duplicated (GAGTTGG; older notation c.2065_2071dupGAGTTGG).
Protein change: p.Ala691fs; shifts the reading frame from alanine 691.
Molecular consequence: frameshift variant.
Genome position (GRCh38, 1-based): chr19:49,596,400-49,596,406, GAGTTGG duplicated. VCF-style (leftmost placement, unchanged base first): chr19-49596399-C-CGAGTTGG. GRCh37 (hg19) VCF-style: chr19-50099656-C-CGAGTTGG.
Other names: c.2065_2071dup (NM_020719.2); short protein forms A691fs.
Identifiers: ClinVar variation 3777126 (VCV003777126.1).